The following is an entry in ClinVar:

ClinVar aggregate classification (germline): Likely benign. Review status: criteria provided, multiple submitters, no conflicts (2 of 4 stars). 3 submissions from 3 submitters: Likely benign (3). Last evaluated 2025-11-01.

Conditions:
Familial thoracic aortic aneurysm and aortic dissection (TAAD). Also called: Thoracic aortic aneurysms and dissections. Identifiers: Orphanet 91387, MedGen C4707243, MONDO:0019625.

Allele frequency attached by ClinVar (database versions not stated): gnomAD 0.00002; TOPMed 0.00002; ESP Exome Variant Server 0.00008.
gnomAD v4.1: 64 of 1,613,076 alleles (0.004%); highest among the groups gnomAD compares: Non-Finnish European, 0.0049%; no homozygotes.

Submissions (3):

Labcorp Genetics (formerly Invitae), Labcorp
Classification: Likely benign for Familial thoracic aortic aneurysm and aortic dissection. Last evaluated: 2025-11-01. Review status: criteria provided, single submitter. Criteria: Invitae Variant Classification Sherloc (09022015). Collection method: clinical testing. Allele origin: germline.

Phosphorus, Inc.
Classification: Likely benign. Last evaluated: 2022-01-19. Review status: criteria provided, single submitter. Criteria: ACMG Guidelines, 2015. Collection method: clinical testing. Allele origin: germline. Inheritance: Autosomal dominant inheritance.
Comment: This splice region intron variant is located 4 bp from the canonical splice site in intron 4 out of 8 introns of the SMAD3 gene (transcript NM_005902.3). This variant has been reported in ClinVar (920344) NM_005902.4 (SMAD3):c.608-4G>A and occurred in GnomAD with a total MAF of 0.0016% and highest MAF of 0.0065% in the African population. This position is not conserved. In silico splicing algorithms agree, predicting no impact on splicing (MaxEntScan/dbscSNV), but no functional studies were performed to confirm these predictions. The variant has not occurred in the literature associated with the disease. In conclusion, despite the proximity of this variant to the nearest canonical splice site, the available evidence is sufficient to suggest that this variant is Likely Benign.

Color Diagnostics, LLC DBA Color Health
Classification: Likely benign for Familial thoracic aortic aneurysm and aortic dissection. Last evaluated: 2020-02-09. Review status: criteria provided, single submitter. Criteria: ACMG Guidelines, 2015. Collection method: clinical testing. Allele origin: germline.

NM_005902.4(SMAD3):c.608-4G>A

Gene: SMAD3 (SMAD family member 3; plus strand). Cytogenetic location: 15q22.33.
Variant type: single nucleotide variant.
Coding change: c.608-4G>A on transcript NM_005902.4 (MANE Select); 4 bases into the intron before coding-DNA position 608, G replaced by A.
Molecular consequence: intron variant.
Genome position (GRCh38, 1-based): chr15:67,170,550, G>A. VCF-style: chr15-67170550-G-A. GRCh37 (hg19) VCF-style: chr15-67462888-G-A.
Other names: c.293-4G>A (NM_001145102.2); c.476-4G>A (NM_001145103.2); c.23-4G>A (NM_001145104.2).
Identifiers: ClinVar variation 920344 (VCV000920344.11), dbSNP rs372064378, ClinGen allele CA272379630.